The following is an entry in ClinVar:

ClinVar aggregate classification (germline): Likely benign. Review status: criteria provided, multiple submitters, no conflicts (2 of 4 stars). 4 submissions from 4 submitters: Likely benign (4). Last evaluated 2025-10-19.

Conditions:
Lysinuric protein intolerance (LPI). Identifiers: Orphanet 470, MedGen C0268647, MONDO:0009109, OMIM 222700.

Allele frequency attached by ClinVar (database versions not stated): gnomAD 0.00003; gnomAD exomes 0.00006 and 0.00014; ExAC 0.00007; TOPMed 0.00013; ESP Exome Variant Server 0.00023.
gnomAD v4.1: 206 of 1,614,066 alleles (0.013%); highest among the groups gnomAD compares: Non-Finnish European, 0.017%; no homozygotes.

Submissions (4):

Labcorp Genetics (formerly Invitae), Labcorp
Classification: Likely benign for Lysinuric protein intolerance. Last evaluated: 2025-10-19. Review status: criteria provided, single submitter. Criteria: Invitae Variant Classification Sherloc (09022015). Collection method: clinical testing. Allele origin: germline.

Blueprint Genetics
Classification: Likely benign. Last evaluated: 2023-03-15. Review status: criteria provided, single submitter. Criteria: ACMG Guidelines, 2015. Collection method: clinical testing. Allele origin: germline.

Fulgent Genetics
Classification: Likely benign for Lysinuric protein intolerance. Last evaluated: 2021-09-27. Review status: criteria provided, single submitter. Criteria: ACMG Guidelines, 2015. Collection method: clinical testing. Allele origin: unknown.

GeneDx
Classification: Likely benign. Last evaluated: 2017-10-10. Review status: criteria provided, single submitter. Criteria: GeneDx Variant Classification (06012015). Collection method: clinical testing. Allele origin: germline. Affected: yes.
Comment: This variant is considered likely benign or benign based on one or more of the following criteria: it is a conservative change, it occurs at a poorly conserved position in the protein, it is predicted to be benign by multiple in silico algorithms, and/or has population frequency not consistent with disease.

NM_003982.4(SLC7A7):c.862A>C (p.Arg288=)

Gene: SLC7A7 (solute carrier family 7 member 7; minus strand). Cytogenetic location: 14q11.2.
Variant type: single nucleotide variant.
Coding change: c.862A>C on transcript NM_003982.4 (MANE Select); coding-DNA position 862, A replaced by C.
Protein change: p.Arg288=; no amino-acid change (arginine 288 retained).
Molecular consequence: synonymous variant.
Genome position (GRCh38, 1-based): chr14:22,776,227, T>G on the plus strand (A>C on the coding strand, the complement: SLC7A7 is on the minus strand). VCF-style: chr14-22776227-T-G. GRCh37 (hg19) VCF-style: chr14-23245436-T-G.
Other names: c.862A>C, p.Arg288= (NM_001126105.3, NM_001126106.4).
Identifiers: ClinVar variation 512312 (VCV000512312.13), dbSNP rs143240690, ClinGen allele CA7104571.